The following is an entry in ClinVar:

NM_015557.3(CHD5):c.389A>C (p.Glu130Ala)

Gene: CHD5 (chromodomain helicase DNA binding protein 5; minus strand). Cytogenetic location: 1p36.31.
Variant type: single nucleotide variant.
Coding change: c.389A>C on transcript NM_015557.3 (MANE Select); coding-DNA position 389, A replaced by C.
Protein change: p.Glu130Ala; replaces glutamic acid 130 with alanine.
Molecular consequence: missense variant.
Genome position (GRCh38, 1-based): chr1:6,155,716, T>G on the plus strand (A>C on the coding strand, the complement: CHD5 is on the minus strand). VCF-style: chr1-6155716-T-G. GRCh37 (hg19) VCF-style: chr1-6215776-T-G.
Other names: short protein forms E130A.
Identifiers: ClinVar variation 1915478 (VCV001915478.5), dbSNP rs2525443911, ClinGen allele CA338089223.

ClinVar aggregate classification (germline): Uncertain significance (1 of 4 stars; one submission).

Submission:

Labcorp Genetics (formerly Invitae), Labcorp
Classification: Uncertain significance. Last evaluated: 2022-07-26. Review status: criteria provided, single submitter. Criteria: Invitae Variant Classification Sherloc (09022015). Collection method: clinical testing. Allele origin: germline.
Comment: This variant has not been reported in the literature in individuals affected with CHD5-related conditions. This sequence change replaces glutamic acid, which is acidic and polar, with alanine, which is neutral and non-polar, at codon 130 of the CHD5 protein (p.Glu130Ala). This variant is not present in population databases (gnomAD no frequency). In summary, the available evidence is currently insufficient to determine the role of this variant in disease. Therefore, it has been classified as a Variant of Uncertain Significance. Algorithms developed to predict the effect of missense changes on protein structure and function are either unavailable or do not agree on the potential impact of this missense change (SIFT: "Deleterious"; PolyPhen-2: "Possibly Damaging"; Align-GVGD: "Class C0").